The following is an entry in ClinVar:

ClinVar aggregate classification (germline): Likely benign (0 of 4 stars; one submission).

Conditions:
CELSR1-related disorder. Also called: CELSR1-related condition.

Allele frequency attached by ClinVar (database versions not stated): gnomAD 0.00003; TOPMed 0.00003; 1000 Genomes Project 30x 0.00047; 1000 Genomes Project 0.00060.

Submission:

PreventionGenetics, part of Exact Sciences
Classification: Likely benign for CELSR1-related condition. Last evaluated: 2021-11-29. Review status: no assertion criteria provided. Collection method: clinical testing. Allele origin: germline.
Comment: This variant is classified as likely benign based on ACMG/AMP sequence variant interpretation guidelines (Richards et al. 2015 PMID: 25741868, with internal and published modifications).

NM_001378328.1(CELSR1):c.5544G>A (p.Gly1848=)

Gene: CELSR1 (cadherin EGF LAG seven-pass G-type receptor 1; minus strand). Cytogenetic location: 22q13.31.
Variant type: single nucleotide variant.
Coding change: c.5544G>A on transcript NM_001378328.1 (MANE Select); coding-DNA position 5544, G replaced by A.
Protein change: p.Gly1848=; no amino-acid change (glycine 1848 retained).
Molecular consequence: synonymous variant.
Genome position (GRCh38, 1-based): chr22:46,397,831, C>T on the plus strand (G>A on the coding strand, the complement: CELSR1 is on the minus strand). VCF-style: chr22-46397831-C-T. GRCh37 (hg19) VCF-style: chr22-46793728-C-T.
Other names: c.5544G>A, p.Gly1848= (NM_014246.4).
Identifiers: ClinVar variation 3053903 (VCV003053903.2), dbSNP rs537639207, ClinGen allele CA10294175.